The following is an entry in ClinVar:

NM_145020.5(CFAP53):c.267G>A (p.Gly89=)

Gene: CFAP53 (cilia and flagella associated protein 53; minus strand). Cytogenetic location: 18q21.1.
Variant type: single nucleotide variant.
Coding change: c.267G>A on transcript NM_145020.5 (MANE Select); coding-DNA position 267, G replaced by A.
Protein change: p.Gly89=; no amino-acid change (glycine 89 retained).
Molecular consequence: synonymous variant.
Genome position (GRCh38, 1-based): chr18:50,262,022, C>T on the plus strand (G>A on the coding strand, the complement: CFAP53 is on the minus strand). VCF-style: chr18-50262022-C-T. GRCh37 (hg19) VCF-style: chr18-47788392-C-T.
Identifiers: ClinVar variation 2648716 (VCV002648716.24), dbSNP rs375428455, ClinGen allele CA8962467.
Genomic context (GRCh38, chr18:50,262,022, plus strand): 5'-GTTTATGTCCCAGGTTTGTGAGCCTTACTTATTTCGTCTTTCTTCAATGTTAATGATAAA[C>T]CCTTGCACAGCATCCTTGATTCTTGCTCGCACAAGGCTGTCCAAAATCTTGCAGTCATTG-3'
Protein context (NP_659457.2, residues 79-99): VRARIKDAVQ[Gly89=]FIINIEERRN

ClinVar aggregate classification (germline): Likely benign (1 of 4 stars; one submission).

Allele frequency attached by ClinVar (database versions not stated): ExAC 0.00005; ESP Exome Variant Server 0.00008.
gnomAD v4.1: 36 of 1,613,928 alleles (0.0022%); highest among the groups gnomAD compares: Non-Finnish European, 0.0021%; no homozygotes.

Submission:

CeGaT Center for Human Genetics Tuebingen
Classification: Likely benign. Last evaluated: 2022-12-01. Review status: criteria provided, single submitter. Criteria: CeGaT Center For Human Genetics Tuebingen Variant Classification Criteria Version 2. Collection method: clinical testing. Allele origin: germline. Affected: yes. Observed: 1 variant allele.
Comment: CFAP53: BP4, BP7